The following is an entry in ClinVar:

ClinVar aggregate classification (germline): Uncertain significance. Review status: criteria provided, multiple submitters, no conflicts (2 of 4 stars). 2 submissions from 2 submitters: Uncertain significance (2). Last evaluated 2024-12-02.

Conditions:
Inborn genetic diseases. Identifiers: MedGen C0950123, MeSH D030342.
Peroxisome biogenesis disorder 7A (Zellweger). Also called: Peroxisome biogenesis disorder 7A. Identifiers: Orphanet 912, MedGen C3888385, MONDO:0013938, OMIM 614872.
Peroxisome biogenesis disorder 7B (PBD7B). Identifiers: Orphanet 44, MedGen C3553951, MONDO:0013939, OMIM 614873.

Allele frequency attached by ClinVar (database versions not stated): gnomAD 0.00001; gnomAD exomes 0.00001; TOPMed 0.00001; ExAC 0.00004.
gnomAD v4.1: 17 of 1,613,504 alleles (0.0011%); highest among the groups gnomAD compares: East Asian, 0.0022%; no homozygotes.

Submissions (2):

Ambry Genetics
Classification: Uncertain significance for Inborn genetic diseases. Last evaluated: 2024-12-02. Review status: criteria provided, single submitter. Criteria: Ambry Variant Classification Scheme 2023. Collection method: clinical testing. Allele origin: germline.

Labcorp Genetics (formerly Invitae), Labcorp
Classification: Uncertain significance for Peroxisome biogenesis disorder 7A (Zellweger); Peroxisome biogenesis disorder 7B. Last evaluated: 2022-04-21. Review status: criteria provided, single submitter. Criteria: Invitae Variant Classification Sherloc (09022015). Collection method: clinical testing. Allele origin: germline.
Comment: This sequence change replaces arginine, which is basic and polar, with glutamine, which is neutral and polar, at codon 291 of the PEX26 protein (p.Arg291Gln). This variant is present in population databases (rs764188803, gnomAD 0.004%). This variant has not been reported in the literature in individuals affected with PEX26-related conditions. Algorithms developed to predict the effect of missense changes on protein structure and function output the following: SIFT: "Tolerated"; PolyPhen-2: "Benign"; Align-GVGD: "Class C0". The glutamine amino acid residue is found in multiple mammalian species, which suggests that this missense change does not adversely affect protein function. In summary, the available evidence is currently insufficient to determine the role of this variant in disease. Therefore, it has been classified as a Variant of Uncertain Significance.

NM_001127649.3(PEX26):c.872G>A (p.Arg291Gln)

Gene: PEX26 (peroxisomal biogenesis factor 26; plus strand). Cytogenetic location: 22q11.21.
Variant type: single nucleotide variant.
Coding change: c.872G>A on transcript NM_001127649.3 (MANE Select); coding-DNA position 872, G replaced by A.
Protein change: p.Arg291Gln; replaces arginine 291 with glutamine.
Molecular consequence: missense variant.
Genome position (GRCh38, 1-based): chr22:18,088,029, G>A. VCF-style: chr22-18088029-G-A. GRCh37 (hg19) VCF-style: chr22-18570795-G-A.
Other names: c.725G>A, p.Arg242Gln (NM_001199319.2); c.872G>A, p.Arg291Gln (NM_017929.6); c.872G>A (NM_017929.5); short protein forms R291Q, R242Q.
Identifiers: ClinVar variation 1938399 (VCV001938399.3), dbSNP rs764188803, ClinGen allele CA10093440.